The following is an entry in ClinVar:

ClinVar aggregate classification (germline): Uncertain significance (1 of 4 stars; one submission).

Submission:

GeneDx
Classification: Uncertain significance. Last evaluated: 2022-09-08. Review status: criteria provided, single submitter. Criteria: GeneDx Variant Classification Process June 2021. Collection method: clinical testing. Allele origin: germline. Affected: yes.
Comment: Not observed at significant frequency in large population cohorts (gnomAD); In silico analysis supports that this missense variant has a deleterious effect on protein structure/function; Has not been previously published as pathogenic or benign to our knowledge

NM_003106.4(SOX2):c.209A>G (p.Glu70Gly)

Genes: SOX2 (SRY-box transcription factor 2; plus strand), SOX2-OT (SOX2 overlapping transcript; plus strand), LOC108281177 (SOX2 5' regulatory region; plus strand). Cytogenetic location: 3q26.33.
Variant type: single nucleotide variant.
Coding change: c.209A>G on transcript NM_003106.4 (MANE Select); coding-DNA position 209, A replaced by G.
Protein change: p.Glu70Gly; replaces glutamic acid 70 with glycine.
Molecular consequence: missense variant.
Genome position (GRCh38, 1-based): chr3:181,712,569, A>G. VCF-style: chr3-181712569-A-G. GRCh37 (hg19) VCF-style: chr3-181430357-A-G.
Other names: short protein forms E70G.
Identifiers: ClinVar variation 2443521 (VCV002443521.1), dbSNP rs2108521795, ClinGen allele CA355473372.